The following is an entry in ClinVar:

ClinVar aggregate classification (germline): Uncertain significance. Review status: criteria provided, multiple submitters, no conflicts (2 of 4 stars). 2 submissions from 2 submitters: Uncertain significance (2). Last evaluated 2026-01-19.

Conditions:
Immunodeficiency 47 (IMD47). Also called: IMMUNODEFICIENCY AND HEPATOPATHY WITH OR WITHOUT NEUROLOGIC FEATURES. Identifiers: Orphanet 692790, MedGen C4310819, MONDO:0010504, OMIM 300972.

Submissions (2):

3billion
Classification: Uncertain significance for Immunodeficiency 47. Last evaluated: 2026-01-19. Review status: criteria provided, single submitter. Criteria: ACMG Guidelines, 2015. Collection method: clinical testing. Allele origin: germline. Affected: yes.
Comment: The variant is not observed in the gnomAD v4.1.0 dataset. Predicted Consequence/Location: Stop-gained (nonsense): predicted to result in a loss or disruption of normal protein function through nonsense-mediated decay (NMD) or protein truncation. However, loss-of-function is not a known mechanism of the disease. The variant has been previously reported as de novo in a similarly affected individual (PMID: 36651831). The variant has been reported to be associated with ATP6AP1-related disorder (PMID: 36651831). However, the evidence of pathogenicity is insufficient at this time. Therefore, this variant is classified as VUS according to the recommendation of ACMG/AMP guideline.

GeneDx
Classification: Uncertain significance. Last evaluated: 2020-01-31. Review status: criteria provided, single submitter. Criteria: GeneDx Variant Classification Process June 2021. Collection method: clinical testing. Allele origin: germline. Affected: yes.
Comment: Nonsense variant predicted to result in protein truncation or nonsense mediated decay in a gene for which loss-of-function is not a known mechanism of disease; Has not been previously published as pathogenic or benign to our knowledge

Literature cited by the submitters: PubMed 36651831 (cited by 3billion).

NM_001183.6(ATP6AP1):c.25C>T (p.Arg9Ter)

Gene: ATP6AP1 (ATPase H+ transporting accessory protein 1; plus strand). Cytogenetic location: Xq28.
Variant type: single nucleotide variant.
Coding change: c.25C>T on transcript NM_001183.6 (MANE Select); coding-DNA position 25, C replaced by T.
Protein change: p.Arg9Ter; replaces arginine 9 with a stop codon.
Molecular consequence: nonsense.
Genome position (GRCh38, 1-based): chrX:154,428,717, C>T. VCF-style: chrX-154428717-C-T. GRCh37 (hg19) VCF-style: chrX-153657063-C-T.
Other names: short protein forms R9*.
Identifiers: ClinVar variation 1304733 (VCV001304733.3), dbSNP rs1557196220, ClinGen allele CA415187310.